The following is an entry in ClinVar:

ClinVar aggregate classification (germline): Uncertain significance. Review status: criteria provided, multiple submitters, no conflicts (2 of 4 stars). 3 submissions from 3 submitters: Uncertain significance (3). Last evaluated 2023-12-01.

Conditions:
Nystagmus 6, congenital, X-linked (NYS6). Identifiers: MedGen C3151752, MONDO:0010435, OMIM 300814.

Allele frequency attached by ClinVar (database versions not stated): TOPMed below 0.00001; gnomAD 0.00001.
gnomAD v4.1: 4 of 1,099,079 alleles (0.00036%); highest among the groups gnomAD compares: Non-Finnish European, 0.00047%; no homozygotes.

Submissions (3):

Labcorp Genetics (formerly Invitae), Labcorp
Classification: Uncertain significance. Last evaluated: 2023-12-01. Review status: criteria provided, single submitter. Criteria: Invitae Variant Classification Sherloc (09022015). Collection method: clinical testing. Allele origin: germline.
Comment: This sequence change replaces glycine, which is neutral and non-polar, with aspartic acid, which is acidic and polar, at codon 44 of the GPR143 protein (p.Gly44Asp). This variant is not present in population databases (gnomAD no frequency). This variant has not been reported in the literature in individuals affected with GPR143-related conditions. ClinVar contains an entry for this variant (Variation ID: 1709536). Advanced modeling of protein sequence and biophysical properties (such as structural, functional, and spatial information, amino acid conservation, physicochemical variation, residue mobility, and thermodynamic stability) performed at Invitae indicates that this missense variant is expected to disrupt GPR143 protein function with a positive predictive value of 80%. In summary, the available evidence is currently insufficient to determine the role of this variant in disease. Therefore, it has been classified as a Variant of Uncertain Significance.

MGZ Medical Genetics Center
Classification: Uncertain significance for Nystagmus 6, congenital, X-linked. Last evaluated: 2022-06-17. Review status: criteria provided, single submitter. Criteria: ACMG Guidelines, 2015. Collection method: clinical testing. Allele origin: germline. Affected: yes. Observed: 3 variant alleles.
Comment: ACMG criteria applied: PM2_SUP, PP3, BS2

Blueprint Genetics
Classification: Uncertain significance. Last evaluated: 2022-02-04. Review status: criteria provided, single submitter. Criteria: ACMG Guidelines, 2015. Collection method: clinical testing. Allele origin: germline.

NM_000273.3(GPR143):c.131G>A (p.Gly44Asp)

Gene: GPR143 (G protein-coupled receptor 143; minus strand). Cytogenetic location: Xp22.2.
Variant type: single nucleotide variant.
Coding change: c.131G>A on transcript NM_000273.3 (MANE Select); coding-DNA position 131, G replaced by A.
Protein change: p.Gly44Asp; replaces glycine 44 with aspartic acid.
Molecular consequence: missense variant.
Genome position (GRCh38, 1-based): chrX:9,765,687, C>T on the plus strand (G>A on the coding strand, the complement: GPR143 is on the minus strand). VCF-style: chrX-9765687-C-T. GRCh37 (hg19) VCF-style: chrX-9733727-C-T.
Other names: short protein forms G44D.
Identifiers: ClinVar variation 1709536 (VCV001709536.8), dbSNP rs1355896487, ClinGen allele CA412000672.